The following is an entry in ClinVar:

ClinVar aggregate classification (germline): Pathogenic/Likely pathogenic. Review status: criteria provided, multiple submitters, no conflicts (2 of 4 stars). 3 submissions from 3 submitters: Pathogenic (1); Likely pathogenic (2). Last evaluated 2025-02-20.

Conditions:
Autosomal recessive congenital ichthyosis 1 (LI1). Also called: COLLODION FETUS; DESQUAMATION OF NEWBORN; ICHTHYOSIS CONGENITA; ICHTHYOSIS CONGENITA II; LAMELLAR EXFOLIATION OF NEWBORN; ICHTHYOSIS, CONGENITAL, AUTOSOMAL RECESSIVE 1, WITH BATHING SUIT DISTRIBUTION. Identifiers: MedGen C4551630, MONDO:0009441, OMIM 242300.

Submissions (3):

Natera, Inc.
Classification: Likely pathogenic for Autosomal recessive congenital ichthyosis type 1. Last evaluated: 2025-02-20. Review status: criteria provided, single submitter. Criteria: Natera Variant Classification Schema (03/2026). Collection method: clinical testing. Allele origin: germline.
Comment: The c.1437dupC variant in TGM1 is a frameshift variant predicted to shift the reading frame beginning at codon 480 and leads to a stop codon 18 codons downstream. This variant is expected to result in nonsense mediated decay, truncation, or a dysfunctional protein product. This variant is rare in the general population with a frequency below the threshold expected for the associated phenotype(s). Given the available evidence, this variant is classified as Likely Pathogenic.

Fulgent Genetics
Classification: Likely pathogenic for Autosomal recessive congenital ichthyosis 1. Last evaluated: 2024-03-07. Review status: criteria provided, single submitter. Criteria: ACMG Guidelines, 2015. Collection method: clinical testing. Allele origin: germline.

GeneDx
Classification: Pathogenic. Last evaluated: 2023-08-03. Review status: criteria provided, single submitter. Criteria: GeneDx Variant Classification Process June 2021. Collection method: clinical testing. Allele origin: germline. Affected: yes.
Comment: Frameshift variant predicted to result in protein truncation or nonsense mediated decay in a gene for which loss of function is a known mechanism of disease; Not observed at significant frequency in large population cohorts (gnomAD); This variant is associated with the following publications: (PMID: 29397479)

NM_000359.3(TGM1):c.1437dup (p.Ile480fs)

Gene: TGM1 (transglutaminase 1; minus strand). Cytogenetic location: 14q12.
Variant type: Duplication.
Coding change: c.1437dup on transcript NM_000359.3 (MANE Select); coding-DNA position 1437, one base duplicated (C; older notation c.1437dupC).
Protein change: p.Ile480fs; shifts the reading frame from isoleucine 480.
Molecular consequence: frameshift variant.
Genome position (GRCh38, 1-based): chr14:24,256,043, G duplicated on the plus strand (C on the coding strand, the reverse complement: TGM1 is on the minus strand); the first of 2 consecutive G bases (chr14:24,256,043-24,256,044); duplicating either gives the same sequence. VCF-style (leftmost placement, unchanged base first): chr14-24256042-T-TG. GRCh37 (hg19) VCF-style: chr14-24725248-T-TG.
Other names: c.1437dup (NM_000359.2); c.1437dupC (NM_000359.2); short protein forms I480fs.
Identifiers: ClinVar variation 817199 (VCV000817199.4), dbSNP rs1594568541, ClinGen allele CA915948911.